The following is an entry in ClinVar:

ClinVar aggregate classification (germline): Likely benign. Review status: criteria provided, multiple submitters, no conflicts (2 of 4 stars). 4 submissions from 4 submitters: Likely benign (4). Last evaluated 2025-12-15.

Conditions:
Familial hypercholesterolemia. Also called: Familial hypercholesterolaemia; Familial hypercholesterolemias. Identifiers: MedGen C0020445, MONDO:0005439.
Hypercholesterolemia, autosomal dominant, 3 (FHCL3). Also called: Familial Hypercholesterolemia, Autosomal Dominant, 3; PCSK9-Related Familial Hypercholesterolemia, Autosomal Dominant; Familial hypercholesterolemia 3. Identifiers: MedGen C1863551, MONDO:0011369, OMIM 603776.

Allele frequency attached by ClinVar (database versions not stated): gnomAD exomes 0.00001; ExAC 0.00004.
gnomAD v4.1: 12 of 1,569,202 alleles (0.00076%); highest among the groups gnomAD compares: South Asian, 0.01%; no homozygotes.

Submissions (4):

Women's Health and Genetics/Laboratory Corporation of America, LabCorp
Classification: Likely benign. Last evaluated: 2025-12-15. Review status: criteria provided, single submitter. Criteria: LabCorp Variant Classification Summary - May 2015. Collection method: clinical testing. Allele origin: germline.

Labcorp Genetics (formerly Invitae), Labcorp
Classification: Likely benign for Hypercholesterolemia, autosomal dominant, 3. Last evaluated: 2025-11-06. Review status: criteria provided, single submitter. Criteria: Invitae Variant Classification Sherloc (09022015). Collection method: clinical testing. Allele origin: germline.

All of Us Research Program, National Institutes of Health
Classification: Likely benign for Hypercholesterolemia, autosomal dominant, 3. Last evaluated: 2024-02-05. Review status: criteria provided, single submitter. Criteria: ACMG Guidelines, 2015. Collection method: clinical testing. Allele origin: germline. Inheritance: Autosomal dominant inheritance. Observed: 2 variant alleles, 2 heterozygotes.
Comment: This study involves interpretation of variants in research participants for the purpose of population health screening. Participant phenotype was not available at the time of variant classification. Additional details can be found in publication PMID: 35346344, PMCID: PMC8962531

Color Diagnostics, LLC DBA Color Health
Classification: Likely benign for Familial hypercholesterolemia. Last evaluated: 2018-07-16. Review status: criteria provided, single submitter. Criteria: ACMG Guidelines, 2015. Collection method: clinical testing. Allele origin: germline.

NM_174936.4(PCSK9):c.936C>T (p.Val312=)

Gene: PCSK9 (proprotein convertase subtilisin/kexin type 9; plus strand). Cytogenetic location: 1p32.3.
Variant type: single nucleotide variant.
Coding change: c.936C>T on transcript NM_174936.4 (MANE Select); coding-DNA position 936, C replaced by T.
Protein change: p.Val312=; no amino-acid change (valine 312 retained).
Molecular consequence: synonymous variant. On other transcripts: non-coding transcript variant (8).
Genome position (GRCh38, 1-based): chr1:55,056,129, C>T. VCF-style: chr1-55056129-C-T. GRCh37 (hg19) VCF-style: chr1-55521802-C-T.
Other names: c.1059C>T, p.Val353= (NM_001407240.1); c.936C>T, p.Val312= (NM_001407241.1, NM_001407244.1, NM_001407247.1); c.939C>T, p.Val313= (NM_001407242.1); c.879C>T, p.Val293= (NM_001407243.1); c.744C>T, p.Val248= (NM_001407245.1); c.561C>T, p.Val187= (NM_001407246.1).
Identifiers: ClinVar variation 723146 (VCV000723146.14), dbSNP rs752401519, ClinGen allele CA045070.